The following is an entry in ClinVar:

ClinVar aggregate classification (germline): Uncertain significance (1 of 4 stars; one submission).

Conditions:
Shprintzen-Goldberg syndrome (SGS). Also called: Marfanoid disorder with craniosynostosis type 1; Marfanoid craniosynostosis syndrome; Shprintzen-Goldberg marfanoid syndrome; SHPRINTZEN-GOLDBERG CRANIOSYNOSTOSIS SYNDROME; CRANIOSYNOSTOSIS WITH ARACHNODACTYLY AND ABDOMINAL HERNIAS. Identifiers: Orphanet 2462, MedGen C1321551, MONDO:0008426, OMIM 182212.

gnomAD v4.1: 8 of 1,581,954 alleles (0.00051%); highest among the groups gnomAD compares: Non-Finnish European, 0.00069%; no homozygotes.

Submission:

Labcorp Genetics (formerly Invitae), Labcorp
Classification: Uncertain significance for Shprintzen-Goldberg syndrome. Last evaluated: 2024-12-16. Review status: criteria provided, single submitter. Criteria: Invitae Variant Classification Sherloc (09022015). Collection method: clinical testing. Allele origin: germline.
Comment: This sequence change replaces lysine, which is basic and polar, with arginine, which is basic and polar, at codon 561 of the SKI protein (p.Lys561Arg). The frequency data for this variant in the population databases is considered unreliable, as metrics indicate poor data quality at this position in the gnomAD database. This variant has not been reported in the literature in individuals affected with SKI-related conditions. Invitae Evidence Modeling of protein sequence and biophysical properties (such as structural, functional, and spatial information, amino acid conservation, physicochemical variation, residue mobility, and thermodynamic stability) indicates that this missense variant is not expected to disrupt SKI protein function with a negative predictive value of 95%. In summary, the available evidence is currently insufficient to determine the role of this variant in disease. Therefore, it has been classified as a Variant of Uncertain Significance.

NM_003036.4(SKI):c.1682A>G (p.Lys561Arg)

Gene: SKI (SKI proto-oncogene; plus strand). Cytogenetic location: 1p36.32.
Variant type: single nucleotide variant.
Coding change: c.1682A>G on transcript NM_003036.4 (MANE Select); coding-DNA position 1682, A replaced by G.
Protein change: p.Lys561Arg; replaces lysine 561 with arginine.
Molecular consequence: missense variant.
Genome position (GRCh38, 1-based): chr1:2,304,500, A>G. VCF-style: chr1-2304500-A-G. GRCh37 (hg19) VCF-style: chr1-2235939-A-G.
Other names: short protein forms K561R.
Identifiers: ClinVar variation 3623853 (VCV003623853.2).